The following is an entry in ClinVar:

ClinVar aggregate classification (germline): Uncertain significance (1 of 4 stars; one submission).

gnomAD v4.1: 11 of 1,612,614 alleles (0.00068%); highest among the groups gnomAD compares: Non-Finnish European, 0.00093%; no homozygotes.

Submission:

Labcorp Genetics (formerly Invitae), Labcorp
Classification: Uncertain significance. Last evaluated: 2024-05-15. Review status: criteria provided, single submitter. Criteria: Invitae Variant Classification Sherloc (09022015). Collection method: clinical testing. Allele origin: germline.
Comment: This sequence change replaces threonine, which is neutral and polar, with methionine, which is neutral and non-polar, at codon 576 of the FBXW7 protein (p.Thr576Met). This variant is present in population databases (no rsID available, gnomAD 0.002%). This variant has not been reported in the literature in individuals affected with FBXW7-related conditions. An algorithm developed to predict the effect of missense changes on protein structure and function (PolyPhen-2) suggests that this variant is likely to be disruptive. In summary, the available evidence is currently insufficient to determine the role of this variant in disease. Therefore, it has been classified as a Variant of Uncertain Significance.

NM_001349798.2(FBXW7):c.1727C>T (p.Thr576Met)

Gene: FBXW7 (F-box and WD repeat domain containing 7; minus strand). Cytogenetic location: 4q31.3.
Variant type: single nucleotide variant.
Coding change: c.1727C>T on transcript NM_001349798.2 (MANE Select); coding-DNA position 1727, C replaced by T.
Protein change: p.Thr576Met; replaces threonine 576 with methionine.
Molecular consequence: missense variant.
Genome position (GRCh38, 1-based): chr4:152,324,312, G>A on the plus strand (C>T on the coding strand, the complement: FBXW7 is on the minus strand). VCF-style: chr4-152324312-G-A. GRCh37 (hg19) VCF-style: chr4-153245464-G-A.
Other names: c.1487C>T, p.Thr496Met (NM_018315.5); c.1727C>T, p.Thr576Met (NM_033632.3); c.1373C>T, p.Thr458Met (NM_001013415.2); short protein forms T458M, T496M, T576M.
Identifiers: ClinVar variation 3631462 (VCV003631462.2).